The following is an entry in ClinVar:

ClinVar aggregate classification (germline): Pathogenic. Review status: criteria provided, multiple submitters, no conflicts (2 of 4 stars). 10 submissions from 10 submitters: Pathogenic (8). 2 of the submissions do not count toward it. Last evaluated 2026-07-07.

Conditions:
RS1-related disorder. Also called: RS1-related condition.
Retinal dystrophy. Also called: Inherited retinal dystrophy. Identifiers: Orphanet 71862, MedGen C0854723, MeSH D058499, MONDO:0019118, HP:0000556.
Juvenile retinoschisis (RS1). Also called: X-Linked Juvenile Retinoschisis; X-linked retinoschisis. Identifiers: Orphanet 792, MedGen C3714753, MONDO:0010725, OMIM 312700.

Allele frequency attached by ClinVar (database versions not stated): gnomAD exomes 0.00001.
gnomAD v4.1: 6 of 1,211,025 alleles (0.0005%); highest among the groups gnomAD compares: Non-Finnish European, 0.00067%; no homozygotes.

Submissions (10):

PreventionGenetics, part of Exact Sciences
Classification: Pathogenic for RS1-related condition. Last evaluated: 2026-07-07. Review status: criteria provided, single submitter. Criteria: ACMG Guidelines, 2015. Collection method: clinical testing. Allele origin: germline.
Comment: The RS1 c.286T>C variant is predicted to result in the amino acid substitution p.Trp96Arg. This variant has been reported many times in individuals with retinoschisis (see for examples: Sauer et al. 1997. PubMed ID: 9326935; Table S1, Stone et al. 2017. PubMed ID: 28559085; Table S2, Liu et al. 2020. PubMed ID: 33090715). A functional study using protein expression in cell culture found that the p.Trp96Arg substitution inhibits the protein from being secreted (Wang et al. 2006. PubMed ID: 16361673). This variant is absent in a large population database (gnomAD), indicating this variant is rare. Given the evidence, we interpret this variant as pathogenic.

Labcorp Genetics (formerly Invitae), Labcorp
Classification: Pathogenic. Last evaluated: 2026-01-17. Review status: criteria provided, single submitter. Criteria: Invitae Variant Classification Sherloc (09022015). Collection method: clinical testing. Allele origin: germline.
Comment: This sequence change replaces tryptophan, which is neutral and slightly polar, with arginine, which is basic and polar, at codon 96 of the RS1 protein (p.Trp96Arg). This variant is not present in population databases (gnomAD no frequency). This missense change has been observed in individuals with retinoschisis (PMID: 9326935, 29902095). It has also been observed to segregate with disease in related individuals. ClinVar contains an entry for this variant (Variation ID: 9886). Invitae Evidence Modeling of protein sequence and biophysical properties (such as structural, functional, and spatial information, amino acid conservation, physicochemical variation, residue mobility, and thermodynamic stability) indicates that this missense variant is expected to disrupt RS1 protein function with a positive predictive value of 95%. Experimental studies have shown that this missense change affects RS1 function (PMID: 16361673). This variant disrupts the p.Trp96 amino acid residue in RS1. Other variant(s) that disrupt this residue have been determined to be pathogenic (PMID: 20809529). This suggests that this residue is clinically significant, and that variants that disrupt this residue are likely to be disease-causing. For these reasons, this variant has been classified as Pathogenic.

Natera, Inc.
Classification: Pathogenic for X-linked retinoschisis. Last evaluated: 2025-06-19. Review status: criteria provided, single submitter. Criteria: Natera Variant Classification Schema (03/2026). Collection method: clinical testing. Allele origin: germline.
Comment: The c.286T>C variant in RS1 is a missense variant predicted to cause substitution of tryptophan to arginine at amino acid 96. This variant is rare in the general population with a frequency below the threshold expected for the associated phenotype(s). This variant has been observed in affected individual(s) with monoallelic occurrence (heterozygous/hemizygous) (PMID: 28559085, 16272055, 9326935). Additionally, this variant has been observed to segregate in affected family members (PMID: 9326935). Computational prediction algorithms indicate this variant is likely to affect gene or protein function. Given the available evidence, this variant is classified as Pathogenic.

GeneDx
Classification: Pathogenic. Last evaluated: 2024-10-04. Review status: criteria provided, single submitter. Criteria: GeneDx Variant Classification Process June 2021. Collection method: clinical testing. Allele origin: germline. Affected: yes.
Comment: Published functional studies demonstrate that the presence of the p.(W96R) variant resulted in no secretion of the retinoschisin protein (PMID: 16361673); Not observed at significant frequency in large population cohorts (gnomAD); In silico analysis supports that this missense variant has a deleterious effect on protein structure/function; This variant is associated with the following publications: (PMID: 29851975, 10533068, 11738458, 35456481, 32037395, 20061330, 30040949, 29902095, 28559085, 9326935, 16272055, 30551202, 30630865, 33090715, 16361673, 9618178)

Blueprint Genetics
Classification: Pathogenic for RS1-related disorders. Last evaluated: 2024-09-10. Review status: criteria provided, single submitter. Criteria: ACMG Guidelines, 2015. Collection method: clinical testing. Allele origin: germline. Affected: yes. Observed: 5 variant alleles.

3billion
Classification: Pathogenic for Juvenile retinoschisis. Last evaluated: 2024-06-19. Review status: criteria provided, single submitter. Criteria: ACMG Guidelines, 2015. Collection method: clinical testing. Allele origin: germline. Affected: yes.
Comment: The variant is observed at an extremely low frequency in the gnomAD v4.0.0 dataset (total allele frequency: <0.001%). Predicted Consequence/Location: Missense variant In silico tool predictions suggest damaging effect of the variant on gene or gene product [REVEL: 0.96 (>=0.6, sensitivity 0.68 and specificity 0.92)]. The same nucleotide change resulting in the same amino acid change has been previously reported as pathogenic/likely pathogenic with strong evidence (ClinVar ID: VCV000009886 /PMID: 9326935 /3billion dataset). A different missense change at the same codon (p.Trp96Cys) has been reported to be associated with RS1 related disorder (ClinVar ID: VCV000960641 /PMID: 20061330). Therefore, this variant is classified as Pathogenic according to the recommendation of ACMG/AMP guideline.

Institute of Human Genetics, Univ. Regensburg, Univ. Regensburg
Classification: Pathogenic for Retinal dystrophy. Last evaluated: 2023-01-01. Review status: criteria provided, single submitter. Criteria: ACMG Guidelines, 2015. Collection method: clinical testing. Allele origin: germline. Affected: yes.

Fulgent Genetics
Classification: Pathogenic for Juvenile retinoschisis. Last evaluated: 2021-08-10. Review status: criteria provided, single submitter. Criteria: ACMG Guidelines, 2015. Collection method: clinical testing. Allele origin: unknown.

OMIM
Classification: Pathogenic for RETINOSCHISIS 1, X-LINKED, JUVENILE. Last evaluated: 1997-10-01. Review status: no assertion criteria provided. Collection method: literature only. Allele origin: germline. Not counted in ClinVar's aggregate classification.

Retina International
No classification provided. Review status: no classification provided. Collection method: not provided. Allele origin: unknown. Not counted in ClinVar's aggregate classification.

Literature cited by the submitters: PubMed 9326935 (cited by 5 submitters); PubMed 29902095 (cited by Labcorp Genetics (formerly Invitae), Labcorp and Institute of Human Genetics, Univ. Regensburg, Univ. Regensburg); PubMed 16361673 (cited by Labcorp Genetics (formerly Invitae), Labcorp and Institute of Human Genetics, Univ. Regensburg, Univ. Regensburg); PubMed 20809529 (cited by Labcorp Genetics (formerly Invitae), Labcorp); PubMed 28559085 (cited by Natera, Inc. and Institute of Human Genetics, Univ. Regensburg, Univ. Regensburg); PubMed 16272055 (cited by Natera, Inc.); PubMed 20061330 (cited by 3billion and Institute of Human Genetics, Univ. Regensburg, Univ. Regensburg); PubMed 33090715 (cited by Institute of Human Genetics, Univ. Regensburg, Univ. Regensburg); PubMed 32037395 (cited by Institute of Human Genetics, Univ. Regensburg, Univ. Regensburg); PubMed 35456481 (cited by Institute of Human Genetics, Univ. Regensburg, Univ. Regensburg).

NM_000330.4(RS1):c.286T>C (p.Trp96Arg)

Genes: CDKL5 (cyclin dependent kinase like 5; plus strand), RS1 (retinoschisin 1; minus strand). Cytogenetic location: Xp22.13.
Variant type: single nucleotide variant.
Coding change: c.286T>C on transcript NM_000330.4 (MANE Select); coding-DNA position 286, T replaced by C.
Protein change: p.Trp96Arg; replaces tryptophan 96 with arginine.
Molecular consequence: missense variant. On other transcripts: intron variant (2).
Genome position (GRCh38, 1-based): chrX:18,647,231, A>G on the plus strand (T>C on the coding strand, the complement: RS1 is on the minus strand). VCF-style: chrX-18647231-A-G. GRCh37 (hg19) VCF-style: chrX-18665351-A-G.
Other names: c.2797+1141A>G (NM_003159.3, NM_001037343.2); short protein forms W96R.
Identifiers: ClinVar variation 9886 (VCV000009886.22), dbSNP rs61752063, ClinGen allele CA226653.
Genomic context (GRCh38, chrX:18,647,231, plus strand): 5'-AATCCCCGGGCCCTGCTTACCCAAAGCCTTGACTGTTGAGCCGGGCCTTGTTTGCAGTCC[A>G]CGAAGAATACCAGCCCACATACTGCTCCGGGTTAGAGCAGGTGATCTGGTCCGGTGTGAC-3'
Protein context (NP_000321.1, residues 86-106): PEQYVGWYSS[Trp96Arg]TANKARLNSQ